The following is an entry in ClinVar:

NM_015459.5(ATL3):c.548T>G (p.Leu183Arg)

Genes: ATL3 (atlastin GTPase 3; minus strand), LNCROPM (lncRNA regulator of PLAAT3 mediated phospholipid metabolism; plus strand). Cytogenetic location: 11q13.1.
Variant type: single nucleotide variant.
Coding change: c.548T>G on transcript NM_015459.5 (MANE Select); coding-DNA position 548, T replaced by G.
Protein change: p.Leu183Arg; replaces leucine 183 with arginine.
Molecular consequence: missense variant.
Genome position (GRCh38, 1-based): chr11:63,651,949, A>C on the plus strand (T>G on the coding strand, the complement: ATL3 is on the minus strand). VCF-style: chr11-63651949-A-C. GRCh37 (hg19) VCF-style: chr11-63419421-A-C.
Other names: c.494T>G, p.Leu165Arg (NM_001290048.2); short protein forms L165R, L183R.
Identifiers: ClinVar variation 839689 (VCV000839689.9), dbSNP rs1940091719, ClinGen allele CA381026862.
Genomic context (GRCh38, chr11:63,651,949, plus strand): 5'-AAACTTTTAAATAATATGATGTTAAAATTGTTATGAGAAATATATACCTGCAGCTGTTGA[A>C]GATCATCTTCTTGAATGTTCTGAGATAAATTATAAATCTAGAAAACAAAAATCCAGATTG-3'
Protein context (NP_056274.3, residues 173-193): NLSQNIQEDD[Leu183Arg]QQLQLFTEYG

ClinVar aggregate classification (germline): Uncertain significance (1 of 4 stars; one submission).

Conditions:
Neuropathy, hereditary sensory, type 1F. Also called: Hereditary sensory neuropathy type IF; HSN IF. Identifiers: Orphanet 36386, MedGen C3810194, MONDO:0014286, OMIM 615632.

Submission:

Labcorp Genetics (formerly Invitae), Labcorp
Classification: Uncertain significance for Neuropathy, hereditary sensory, type 1F. Last evaluated: 2023-06-25. Review status: criteria provided, single submitter. Criteria: Invitae Variant Classification Sherloc (09022015). Collection method: clinical testing. Allele origin: germline.
Comment: This sequence change replaces leucine, which is neutral and non-polar, with arginine, which is basic and polar, at codon 183 of the ATL3 protein (p.Leu183Arg). This variant is not present in population databases (gnomAD no frequency). This variant has not been reported in the literature in individuals affected with ATL3-related conditions. ClinVar contains an entry for this variant (Variation ID: 839689). Advanced modeling of protein sequence and biophysical properties (such as structural, functional, and spatial information, amino acid conservation, physicochemical variation, residue mobility, and thermodynamic stability) performed at Invitae indicates that this missense variant is expected to disrupt ATL3 protein function. In summary, the available evidence is currently insufficient to determine the role of this variant in disease. Therefore, it has been classified as a Variant of Uncertain Significance.